The following is an entry in ClinVar:

ClinVar aggregate classification (germline): Likely benign. Review status: criteria provided, multiple submitters, no conflicts (2 of 4 stars). 3 submissions from 3 submitters: Likely benign (3). Last evaluated 2024-12-01.

Allele frequency attached by ClinVar (database versions not stated): TOPMed below 0.00001.
gnomAD v4.1: 1 of 1,535,340 alleles (0.000065%); highest among the groups gnomAD compares: Non-Finnish European, 0.000087%; no homozygotes.

Submissions (3):

CeGaT Center for Human Genetics Tuebingen
Classification: Likely benign. Last evaluated: 2024-12-01. Review status: criteria provided, single submitter. Criteria: CeGaT Center For Human Genetics Tuebingen Variant Classification Criteria Version 2. Collection method: clinical testing. Allele origin: germline. Affected: yes. Observed: 1 variant allele.
Comment: ARID1B: BP4, BP7

Blueprint Genetics
Classification: Likely benign. Last evaluated: 2023-12-28. Review status: criteria provided, single submitter. Criteria: ACMG Guidelines, 2015. Collection method: clinical testing. Allele origin: germline.

Labcorp Genetics (formerly Invitae), Labcorp
Classification: Likely benign. Last evaluated: 2023-04-08. Review status: criteria provided, single submitter. Criteria: Invitae Variant Classification Sherloc (09022015). Collection method: clinical testing. Allele origin: germline.

NM_001374828.1(ARID1B):c.516T>C (p.His172=)

Genes: ARID1B (AT-rich interaction domain 1B; plus strand), LOC115308161 (uncharacterized LOC115308161; minus strand). Cytogenetic location: 6q25.3.
Variant type: single nucleotide variant.
Coding change: c.516T>C on transcript NM_001374828.1 (MANE Select); coding-DNA position 516, T replaced by C.
Protein change: p.His172=; no amino-acid change (histidine 172 retained).
Molecular consequence: synonymous variant.
Genome position (GRCh38, 1-based): chr6:156,778,196, T>C. VCF-style: chr6-156778196-T-C. GRCh37 (hg19) VCF-style: chr6-157099330-T-C.
Other names: c.267T>C, p.His89= (NM_001346813.1, NM_020732.3); c.516T>C, p.His172= (NM_001371656.1, NM_001374820.1, NM_017519.3); c.93T>C, p.His31= (NM_175863.2).
Identifiers: ClinVar variation 2890085 (VCV002890085.17), dbSNP rs1393281563, ClinGen allele CA452988792.